The following is an entry in ClinVar:

NM_012123.4(MTO1):c.1260+179_1260+188del

Gene: MTO1 (mitochondrial tRNA translation optimization 1; plus strand). Cytogenetic location: 6q13.
Variant type: Deletion.
Coding change: c.1260+179_1260+188del on transcript NM_012123.4 (MANE Select); bases 179 to 188 of the intron after coding-DNA position 1260, 10 bases deleted (TTTTTTTTTT; older notation c.1260+179_1260+188delTTTTTTTTTT).
Molecular consequence: intron variant.
Genome position (GRCh38, 1-based): chr6:73,480,984-73,480,993, TTTTTTTTTT deleted; deleting any 10 consecutive bases within chr6:73,480,970-73,480,993 gives the same sequence; the c. name uses the placement nearest the transcript's 3' end. VCF-style (leftmost placement, unchanged base first): chr6-73480969-GTTTTTTTTTT-G. GRCh37 (hg19) VCF-style: chr6-74190692-GTTTTTTTTTT-G.
Other names: c.1335+179_1335+188del (NM_133645.3); c.1261-13_1261-4del (NM_001123226.2).
Identifiers: ClinVar variation 3055983 (VCV003055983.2), dbSNP rs398001972, ClinGen allele CA827935968.
Genomic context (GRCh38, chr6:73,480,969, plus strand): 5'-TACTAATAGAAGACAATTTATGTTTCAGGGTGTTTGGAGATGGCTTTTGTAGATAATAGG[GTTTTTTTTTT>G]TTTTTTTTTTTTTTGAGACAGAGTGTTGCTCTGTTGCCAGGCTGGAGTGCAGTGATATGA-3'

ClinVar aggregate classification (germline): Likely benign (0 of 4 stars; one submission).

Conditions:
MTO1-related disorder. Also called: MTO1-related condition.

Submission:

PreventionGenetics, part of Exact Sciences
Classification: Likely benign for MTO1-related condition. Last evaluated: 2022-08-26. Review status: no assertion criteria provided. Collection method: clinical testing. Allele origin: germline.
Comment: This variant is classified as likely benign based on ACMG/AMP sequence variant interpretation guidelines (Richards et al. 2015 PMID: 25741868, with internal and published modifications).